The following is an entry in ClinVar:

NM_173354.5(SIK1):c.1481C>T (p.Ser494Phe)

Gene: SIK1 (salt inducible kinase 1; minus strand). Cytogenetic location: 21q22.3.
Variant type: single nucleotide variant.
Coding change: c.1481C>T on transcript NM_173354.5 (MANE Select); coding-DNA position 1481, C replaced by T.
Protein change: p.Ser494Phe; replaces serine 494 with phenylalanine.
Molecular consequence: missense variant.
Genome position (GRCh38, 1-based): chr21:43,418,523, G>A on the plus strand (C>T on the coding strand, the complement: SIK1 is on the minus strand). VCF-style: chr21-43418523-G-A. GRCh37 (hg19) VCF-style: chr21-44838403-G-A.
Other names: short protein forms S494F.
Identifiers: ClinVar variation 1418884 (VCV001418884.6), dbSNP rs1569014834, ClinGen allele CA410607916.
Genomic context (GRCh38, chr21:43,418,523, plus strand): 5'-CTCGCAGAGAAGGTCAGACAACTGTCAGAGCTGGTTCCCTCTGCAGGACTTGCCGTGGTG[G>A]AGGGGGAGACGACTATACCTGTGGGGGGAGGACAGCGCTTTTGATGCTGCAGTGCAAAGG-3'
Protein context (NP_775490.2, residues 484-504): LTAPCIVVSP[Ser494Phe]TTASPAEGTS

ClinVar aggregate classification (germline): Uncertain significance (1 of 4 stars; one submission).

Conditions:
Developmental and epileptic encephalopathy, 30 (DEE30). Also called: Epileptic encephalopathy, early infantile, 30. Identifiers: MedGen C4225360, MONDO:0014595, OMIM 616341.

Allele frequency attached by ClinVar (database versions not stated): gnomAD exomes below 0.00001.

Submission:

Labcorp Genetics (formerly Invitae), Labcorp
Classification: Uncertain significance for Developmental and epileptic encephalopathy, 30. Last evaluated: 2024-12-19. Review status: criteria provided, single submitter. Criteria: Invitae Variant Classification Sherloc (09022015). Collection method: clinical testing. Allele origin: germline.
Comment: This sequence change replaces serine, which is neutral and polar, with phenylalanine, which is neutral and non-polar, at codon 494 of the SIK1 protein (p.Ser494Phe). This variant is not present in population databases (gnomAD no frequency). This variant has not been reported in the literature in individuals affected with SIK1-related conditions. ClinVar contains an entry for this variant (Variation ID: 1418884). Invitae Evidence Modeling of protein sequence and biophysical properties (such as structural, functional, and spatial information, amino acid conservation, physicochemical variation, residue mobility, and thermodynamic stability) indicates that this missense variant is not expected to disrupt SIK1 protein function with a negative predictive value of 95%. In summary, the available evidence is currently insufficient to determine the role of this variant in disease. Therefore, it has been classified as a Variant of Uncertain Significance.